The following is an entry in ClinVar:

ClinVar aggregate classification (germline): Uncertain significance (1 of 4 stars; one submission).

Allele frequency attached by ClinVar (database versions not stated): TOPMed below 0.00001.
gnomAD v4.1: 1 of 1,593,178 alleles (0.000063%); highest among the groups gnomAD compares: Non-Finnish European, 0.000085%; no homozygotes.

Submission:

Labcorp Genetics (formerly Invitae), Labcorp
Classification: Uncertain significance. Last evaluated: 2023-06-16. Review status: criteria provided, single submitter. Criteria: Invitae Variant Classification Sherloc (09022015). Collection method: clinical testing. Allele origin: germline.
Comment: In summary, the available evidence is currently insufficient to determine the role of this variant in disease. Therefore, it has been classified as a Variant of Uncertain Significance. Advanced modeling of protein sequence and biophysical properties (such as structural, functional, and spatial information, amino acid conservation, physicochemical variation, residue mobility, and thermodynamic stability) performed at Invitae indicates that this missense variant is not expected to disrupt KIF11 protein function. ClinVar contains an entry for this variant (Variation ID: 1951607). This variant has not been reported in the literature in individuals affected with KIF11-related conditions. This variant is not present in population databases (gnomAD no frequency). This sequence change replaces serine, which is neutral and polar, with asparagine, which is neutral and polar, at codon 680 of the KIF11 protein (p.Ser680Asn).

NM_004523.4(KIF11):c.2039G>A (p.Ser680Asn)

Gene: KIF11 (kinesin family member 11; plus strand). Cytogenetic location: 10q23.33.
Variant type: single nucleotide variant.
Coding change: c.2039G>A on transcript NM_004523.4 (MANE Select); coding-DNA position 2039, G replaced by A.
Protein change: p.Ser680Asn; replaces serine 680 with asparagine.
Molecular consequence: missense variant.
Genome position (GRCh38, 1-based): chr10:92,637,424, G>A. VCF-style: chr10-92637424-G-A. GRCh37 (hg19) VCF-style: chr10-94397181-G-A.
Other names: short protein forms S680N.
Identifiers: ClinVar variation 1951607 (VCV001951607.5), dbSNP rs1397323350, ClinGen allele CA377593278.